The following is an entry in ClinVar:

ClinVar aggregate classification (germline): Conflicting classifications of pathogenicity. Review status: criteria provided, conflicting classifications (1 of 4 stars). 2 submissions from 2 submitters: Uncertain significance (1); Likely benign (1). Last evaluated 2017-11-22.

Conditions:
epileptic encephalopathy, early infanitle, 1.

Submissions (2):

GeneDx
Classification: Likely benign. Last evaluated: 2017-11-22. Review status: criteria provided, single submitter. Criteria: GeneDx Variant Classification (06012015). Collection method: clinical testing. Allele origin: germline. Affected: yes.
Comment: This variant is considered likely benign or benign based on one or more of the following criteria: it is a conservative change, it occurs at a poorly conserved position in the protein, it is predicted to be benign by multiple in silico algorithms, and/or has population frequency not consistent with disease.

Genetic Services Laboratory, University of Chicago
Classification: Uncertain significance for epileptic encephalopathy, early infanitle, 1. Last evaluated: 2013-02-08. Review status: criteria provided, single submitter. Criteria: ACMG Guidelines, 2007. Collection method: clinical testing. Allele origin: germline. Inheritance: X-linked inheritance.

NM_139058.3(ARX):c.651G>T (p.Ala217=)

Gene: ARX (aristaless related homeobox; minus strand). Cytogenetic location: Xp21.3.
Variant type: single nucleotide variant.
Coding change: c.651G>T on transcript NM_139058.3 (MANE Select); coding-DNA position 651, G replaced by T.
Protein change: p.Ala217=; no amino-acid change (alanine 217 retained).
Molecular consequence: synonymous variant.
Genome position (GRCh38, 1-based): chrX:25,013,344, C>A on the plus strand (G>T on the coding strand, the complement: ARX is on the minus strand). VCF-style: chrX-25013344-C-A. GRCh37 (hg19) VCF-style: chrX-25031461-C-A.
Identifiers: ClinVar variation 157761 (VCV000157761.6), dbSNP rs587783204, ClinGen allele CA171160.